The following is an entry in ClinVar:

NM_015065.3(EXPH5):c.1642C>T (p.Pro548Ser)

Gene: EXPH5 (exophilin 5; minus strand). Cytogenetic location: 11q22.3.
Variant type: single nucleotide variant.
Coding change: c.1642C>T on transcript NM_015065.3 (MANE Select); coding-DNA position 1642, C replaced by T.
Protein change: p.Pro548Ser; replaces proline 548 with serine.
Molecular consequence: missense variant.
Genome position (GRCh38, 1-based): chr11:108,513,865, G>A on the plus strand (C>T on the coding strand, the complement: EXPH5 is on the minus strand). VCF-style: chr11-108513865-G-A. GRCh37 (hg19) VCF-style: chr11-108384592-G-A.
Other names: c.1414C>T, p.Pro472Ser (NM_001144763.2); c.1174C>T, p.Pro392Ser (NM_001144764.2); c.1078C>T, p.Pro360Ser (NM_001144765.2); c.1621C>T, p.Pro541Ser (NM_001308019.2); c.1642C>T (NM_015065.2); short protein forms P392S, P541S, P548S, P360S, P472S.
Identifiers: ClinVar variation 1499923 (VCV001499923.10), dbSNP rs139699634, ClinGen allele CA6267998.

ClinVar aggregate classification (germline): Uncertain significance. Review status: criteria provided, multiple submitters, no conflicts (2 of 4 stars). 4 submissions from 4 submitters: Uncertain significance (4). Last evaluated 2025-03-10.

Conditions:
Inborn genetic diseases. Identifiers: MedGen C0950123, MeSH D030342.

Allele frequency attached by ClinVar (database versions not stated): 1000 Genomes Project 30x 0.00016; TOPMed 0.00018; 1000 Genomes Project 0.00020; gnomAD exomes 0.00022 and 0.00023; ExAC 0.00026; gnomAD 0.00027; ESP Exome Variant Server 0.00031.
gnomAD v4.1: 379 of 1,611,440 alleles (0.024%); highest among the groups gnomAD compares: Non-Finnish European, 0.029%; 2 homozygotes.

Submissions (4):

Ambry Genetics
Classification: Uncertain significance for Inborn genetic diseases. Last evaluated: 2025-03-10. Review status: criteria provided, single submitter. Criteria: Ambry Variant Classification Scheme 2023. Collection method: clinical testing. Allele origin: germline.

GeneDx
Classification: Uncertain significance. Last evaluated: 2024-07-11. Review status: criteria provided, single submitter. Criteria: GeneDx Variant Classification Process June 2021. Collection method: clinical testing. Allele origin: germline. Affected: yes.
Comment: In silico analysis supports that this missense variant has a deleterious effect on protein structure/function; Has not been previously published as pathogenic or benign to our knowledge

Labcorp Genetics (formerly Invitae), Labcorp
Classification: Uncertain significance. Last evaluated: 2024-03-11. Review status: criteria provided, single submitter. Criteria: Invitae Variant Classification Sherloc (09022015). Collection method: clinical testing. Allele origin: germline.
Comment: This sequence change replaces proline, which is neutral and non-polar, with serine, which is neutral and polar, at codon 548 of the EXPH5 protein (p.Pro548Ser). This variant is present in population databases (rs139699634, gnomAD 0.04%). This variant has not been reported in the literature in individuals affected with EXPH5-related conditions. ClinVar contains an entry for this variant (Variation ID: 1499923). Algorithms developed to predict the effect of missense changes on protein structure and function output the following: SIFT: "Not Available"; PolyPhen-2: "Probably Damaging"; Align-GVGD: "Not Available". The serine amino acid residue is found in multiple mammalian species, which suggests that this missense change does not adversely affect protein function. In summary, the available evidence is currently insufficient to determine the role of this variant in disease. Therefore, it has been classified as a Variant of Uncertain Significance.

Breakthrough Genomics
Classification: Uncertain significance. Review status: criteria provided, single submitter. Criteria: ACMG Guidelines, 2015. Collection method: not provided. Allele origin: germline. Inheritance: Autosomal recessive inheritance. Affected: yes.